The following is an entry in ClinVar:

NM_000277.3(PAH):c.896T>C (p.Phe299Ser)

Genes: PAH (phenylalanine hydroxylase; minus strand), LOC126861615 (CDK7 strongly-dependent group 2 enhancer GRCh37_chr12:103244689-103245888; plus strand). Cytogenetic location: 12q23.2.
Variant type: single nucleotide variant.
Coding change: c.896T>C on transcript NM_000277.3 (MANE Select); coding-DNA position 896, T replaced by C.
Protein change: p.Phe299Ser; replaces phenylalanine 299 with serine.
Molecular consequence: missense variant.
Genome position (GRCh38, 1-based): chr12:102,851,703, A>G on the plus strand (T>C on the coding strand, the complement: PAH is on the minus strand). VCF-style: chr12-102851703-A-G. GRCh37 (hg19) VCF-style: chr12-103245481-A-G.
Other names: c.896T>C, p.Phe299Ser (NM_001354304.2); short protein forms F299S.
Identifiers: ClinVar variation 932267 (VCV000932267.1), dbSNP rs62642933, ClinGen allele CA16020887.

ClinVar aggregate classification (germline): Uncertain significance (3 of 4 stars; one submission).

Conditions:
Phenylketonuria (PKU). Also called: OLIGOPHRENIA PHENYLPYRUVICA; Phenylketonurias; Phenylketonuria (PKU); FOLLING DISEASE. Identifiers: Orphanet 716, MedGen C0031485, MONDO:0009861, OMIM 261600. Disease mechanism: loss of function.

Submission:

ClinGen PAH Variant Curation Expert Panel
Classification: Uncertain significance for Phenylketonuria. Last evaluated: 2020-02-16. Review status: reviewed by expert panel. Criteria: ClinGen PAH ACMG Specifications v1. Collection method: curation. Allele origin: germline. Inheritance: Autosomal recessive inheritance.
Comment: The c.896T>C (p.Phe299Ser) variant in PAH has not been reported in a patient with PKU to our knowledge. It was noted in PMID: 9792411 but the p.Phe299Cys variant is listed as the amino acid change in the table and text, so the actual variant in the patient is unclear. This variant is absent from 1000G, ESP, ExAC and gnomAD and has an extremely low frequency in PAGE (MAF=0.00012). A deleterious effect is predicted in SIFT, Polyphen-2, MutationTaster, and REVEL. A different pathogenic missense change has been seen at the same amino acid (p.Phe299Cys). In summary, this variant meets criteria to be classified as uncertain significance for PAH. PAH-specific ACMG/AMP criteria applied: PM2, PM5, PP3.